The following is an entry in ClinVar:

NM_000038.6(APC):c.1795T>G (p.Cys599Gly)

Gene: APC (APC regulator of Wnt signaling pathway; plus strand). Cytogenetic location: 5q22.2.
Variant type: single nucleotide variant.
Coding change: c.1795T>G on transcript NM_000038.6 (MANE Select); coding-DNA position 1795, T replaced by G.
Protein change: p.Cys599Gly; replaces cysteine 599 with glycine.
Molecular consequence: missense variant. On other transcripts: non-coding transcript variant (2).
Genome position (GRCh38, 1-based): chr5:112,835,002, T>G. VCF-style: chr5-112835002-T-G. GRCh37 (hg19) VCF-style: chr5-112170699-T-G.
Other names: c.1720T>G, p.Cys574Gly (NM_001354898.2); c.1711T>G, p.Cys571Gly (NM_001354899.2); c.1672T>G, p.Cys558Gly (NM_001354900.2); c.1618T>G, p.Cys540Gly (NM_001354901.2, NM_001407453.1); c.1522T>G, p.Cys508Gly (NM_001354902.2); c.1492T>G, p.Cys498Gly (NM_001354903.2, NM_001407458.1, NM_001407459.1 and 1 more transcripts); c.1417T>G, p.Cys473Gly (NM_001354904.2); c.1315T>G, p.Cys439Gly (NM_001354905.2); and 11 more; short protein forms C439G, C498G, C516G, C540G, C571G, C581G, C627G, C558G.
Identifiers: ClinVar variation 5025189 (VCV005025189.1).

ClinVar aggregate classification (germline): Uncertain significance (1 of 4 stars; one submission).

Conditions:
Hereditary cancer-predisposing syndrome. Also called: Neoplastic Syndromes, Hereditary; Tumor predisposition; Hereditary neoplastic syndrome; Hereditary Cancer Syndrome. Identifiers: Orphanet 140162, MedGen C0027672, MeSH D009386, MONDO:0015356.

Submission:

Ambry Genetics
Classification: Uncertain significance for Hereditary cancer-predisposing syndrome. Last evaluated: 2026-07-07. Review status: criteria provided, single submitter. Criteria: Ambry Variant Classification Scheme 2023. Collection method: clinical testing. Allele origin: germline.
Comment: The p.C599G variant (also known as c.1795T>G), located in coding exon 14 of the APC gene, results from a T to G substitution at nucleotide position 1795. The cysteine at codon 599 is replaced by glycine, an amino acid with highly dissimilar properties. This amino acid position is conserved. In addition, in silico predictors for this gene do not accurately predict pathogenicity. Based on the available evidence, the clinical significance of this variant remains unclear.